The following is an entry in ClinVar:

ClinVar aggregate classification (germline): other (0 of 4 stars; one submission).

Conditions:
Familial colorectal cancer. Identifiers: MedGen CN280943, MONDO:0023113. Disease mechanism: loss of function.

Submission:

Systems Biology Platform Zhejiang California International NanoSystems Institute
Classification: other for Familial colorectal cancer. Review status: no assertion criteria provided. Collection method: not provided. Allele origin: unknown.
ClinVar note: Converted during submission from cancer to other.

NM_000038.6(APC):c.220+38G>T

Gene: APC (APC regulator of WNT signaling pathway; plus strand). Cytogenetic location: 5q22.2.
Variant type: single nucleotide variant.
Coding change: c.220+38G>T on transcript NM_000038.6 (MANE Select); 38 bases into the intron after coding-DNA position 220, G replaced by T.
Molecular consequence: intron variant.
Genome position (GRCh38, 1-based): chr5:112,766,448, G>T. VCF-style: chr5-112766448-G-T. GRCh37 (hg19) VCF-style: chr5-112102145-G-T.
Other names: c.250+38G>T (NM_001354897.2, NM_001354902.2, NM_001127511.3); c.220+38G>T (NM_001127510.3, NM_001354896.2, NM_001354903.2 and 2 more transcripts); c.145+38G>T (NM_001354898.2, NM_001354904.2); c.-816+38G>T (NM_001354906.2); c.43+38G>T (NM_001354900.2, NM_001354901.2, NM_001354905.2).
Identifiers: ClinVar variation 82399 (VCV000082399.2), dbSNP rs74340509, ClinGen allele CA007251.